The following is an entry in ClinVar:

NM_001290060.2(SEMA3B):c.1137+1G>A

Gene: SEMA3B (semaphorin 3B; plus strand). Cytogenetic location: 3p21.31.
Variant type: single nucleotide variant.
Coding change: c.1137+1G>A on transcript NM_001290060.2 (MANE Select); the canonical splice donor site of the intron after coding-DNA position 1137, G replaced by A.
Molecular consequence: splice donor variant.
Genome position (GRCh38, 1-based): chr3:50,274,058, G>A. VCF-style: chr3-50274058-G-A. GRCh37 (hg19) VCF-style: chr3-50311489-G-A.
Other names: NC_000003.11:g.50311489G>A; c.1137+1G>A (NM_004636.4); c.1134+1G>A (NM_001005914.3); c.1152+1G>A (NM_001290061.1); c.108+1G>A (NM_001290062.2, NM_001290063.2).
Identifiers: ClinVar variation 3348221 (VCV003348221.2).
Genomic context (GRCh38, chr3:50,274,058, plus strand): 5'-GGGCCCATGCACCAGTGGGTGTCATACCAGGGTCGCGTCCCCTACCCGCGGCCAGGCATG[G>A]TTCGTAGCCCAGGGACTTCTGCTACAACCCACTTCAAAGCCTCAAGGGTTTGAGAACTTG-3'

ClinVar aggregate classification (germline): Uncertain significance (0 of 4 stars; one submission).

Conditions:
SEMA3B-related disorder. Also called: SEMA3B-related condition.

gnomAD v4.1: 125 of 1,612,930 alleles (0.0077%); highest among the groups gnomAD compares: Non-Finnish European, 0.01%; no homozygotes.

Submissions (2):

PreventionGenetics, part of Exact Sciences
Classification: Uncertain significance for SEMA3B-related condition. Last evaluated: 2024-06-06. Review status: no assertion criteria provided. Collection method: clinical testing. Allele origin: germline.
Comment: The SEMA3B c.1152+1G>A variant is predicted to disrupt the GT donor site and interfere with normal splicing. To our knowledge, this variant has not been reported in the literature. This variant is reported in 0.013% of alleles in individuals of European (Non-Finnish) descent in gnomAD. At this time, the clinical significance of this variant is uncertain due to the absence of conclusive functional and genetic evidence.

Dr. Peter K. Rogan Lab, Western University
No classification provided (evidence only). Condition: Colon adenocarcinoma. Review status: no classification provided. Collection method: in vitro. Allele origin: not applicable. Functional consequence: retained intron. Not counted in ClinVar's aggregate classification.